The following is an entry in ClinVar:

ClinVar aggregate classification (germline): Uncertain significance (1 of 4 stars; one submission).

Conditions:
SETBP1-related disorder. Also called: SETBP1-related condition; SETBP1-related disorders.

Allele frequency attached by ClinVar (database versions not stated): gnomAD exomes below 0.00001.
gnomAD v4.1: 1 of 1,614,188 alleles (0.000062%); highest among the groups gnomAD compares: South Asian, 0.0011%; no homozygotes.

Submission:

PreventionGenetics, part of Exact Sciences
Classification: Uncertain significance for SETBP1-related condition. Last evaluated: 2023-03-09. Review status: criteria provided, single submitter. Criteria: ACMG Guidelines, 2015. Collection method: clinical testing. Allele origin: germline.
Comment: The SETBP1 c.4081A>G variant is predicted to result in the amino acid substitution p.Arg1361Gly. To our knowledge, this variant has not been reported in the literature or in a large population database, indicating this variant is rare. At this time, the clinical significance of this variant is uncertain due to the absence of conclusive functional and genetic evidence.

NM_015559.3(SETBP1):c.4081A>G (p.Arg1361Gly)

Gene: SETBP1 (SET binding protein 1; plus strand). Cytogenetic location: 18q12.3.
Variant type: single nucleotide variant.
Coding change: c.4081A>G on transcript NM_015559.3 (MANE Select); coding-DNA position 4081, A replaced by G.
Protein change: p.Arg1361Gly; replaces arginine 1361 with glycine.
Molecular consequence: missense variant. On other transcripts: intron variant (1).
Genome position (GRCh38, 1-based): chr18:45,038,565, A>G. VCF-style: chr18-45038565-A-G. GRCh37 (hg19) VCF-style: chr18-42618530-A-G.
Other names: c.4081A>G, p.Arg1361Gly (NM_001379141.1, NM_001379142.1); c.4001-24514A>G (NM_001410862.1); short protein forms R1361G.
Identifiers: ClinVar variation 2633849 (VCV002633849.1), dbSNP rs2511319991, ClinGen allele CA402482478.
Genomic context (GRCh38, chr18:45,038,565, plus strand): 5'-AAAGTGGACCAGACAGCAGTGCATAGTAAGAACGAAGGCTCAGTGCCCACCATGATGACC[A>G]GGAAGAAGCCAGCCGCAGTTGACAGTGTTACAATTCCACCAGCCCCAGTGTTATCTCTCC-3'
Protein context (NP_056374.2, residues 1351-1371): NEGSVPTMMT[Arg1361Gly]KKPAAVDSVT